The following is an entry in ClinVar:

NM_006642.5(SDCCAG8):c.393T>C (p.His131=)

Gene: SDCCAG8 (SHH signaling and ciliogenesis regulator SDCCAG8; plus strand). Cytogenetic location: 1q43.
Variant type: single nucleotide variant.
Coding change: c.393T>C on transcript NM_006642.5 (MANE Select); coding-DNA position 393, T replaced by C.
Protein change: p.His131=; no amino-acid change (histidine 131 retained).
Molecular consequence: synonymous variant. On other transcripts: 5 prime UTR variant (3).
Genome position (GRCh38, 1-based): chr1:243,274,629, T>C. VCF-style: chr1-243274629-T-C. GRCh37 (hg19) VCF-style: chr1-243437931-T-C.
Other names: c.-720T>C (NM_001350246.2); c.-608T>C (NM_001350247.2); c.393T>C, p.His131= (NM_001350248.2); c.99T>C, p.His33= (NM_001350249.2); c.-981T>C (NM_001350251.2); c.393T>C (NM_006642.3).
Identifiers: ClinVar variation 3027132 (VCV003027132.26), dbSNP rs1476780915, ClinGen allele CA424102784.

ClinVar aggregate classification (germline): Likely benign. Review status: criteria provided, multiple submitters, no conflicts (2 of 4 stars). 4 submissions from 4 submitters: Likely benign (4). Last evaluated 2025-10-30.

Conditions:
SDCCAG8-related disorder. Also called: SDCCAG8-related condition; SDCCAG8-Related Disorders.
Senior-Loken syndrome 7 (SLSN7). Identifiers: Orphanet 3156, MedGen C3150877, MONDO:0013326, OMIM 613615.
Bardet-Biedl syndrome 16 (BBS16). Identifiers: Orphanet 110, MedGen C3889474, MONDO:0014444, OMIM 615993.

Allele frequency attached by ClinVar (database versions not stated): gnomAD exomes below 0.00001; gnomAD 0.00001; TOPMed 0.00002.
gnomAD v4.1: 6 of 1,605,806 alleles (0.00037%); highest among the groups gnomAD compares: East Asian, 0.0089%; no homozygotes.

Submissions (4):

PreventionGenetics, part of Exact Sciences
Classification: Likely benign for SDCCAG8-related condition. Last evaluated: 2025-10-30. Review status: criteria provided, single submitter. Criteria: ACMG Guidelines, 2015. Collection method: clinical testing. Allele origin: germline.
Comment: This variant is classified as likely benign based on ACMG/AMP sequence variant interpretation guidelines (Richards et al. 2015 PMID: 25741868, with internal and published modifications).

Labcorp Genetics (formerly Invitae), Labcorp
Classification: Likely benign for Bardet-Biedl syndrome 16; Senior-Loken syndrome 7. Last evaluated: 2024-03-20. Review status: criteria provided, single submitter. Criteria: Invitae Variant Classification Sherloc (09022015). Collection method: clinical testing. Allele origin: germline.

CeGaT Center for Human Genetics Tuebingen
Classification: Likely benign. Last evaluated: 2024-02-01. Review status: criteria provided, single submitter. Criteria: CeGaT Center For Human Genetics Tuebingen Variant Classification Criteria Version 2. Collection method: clinical testing. Allele origin: germline. Affected: yes. Observed: 1 variant allele.
Comment: SDCCAG8: BP4, BP7

Blueprint Genetics
Classification: Likely benign. Last evaluated: 2022-09-02. Review status: criteria provided, single submitter. Criteria: ACMG Guidelines, 2015. Collection method: clinical testing. Allele origin: germline.